The following is an entry in ClinVar:

NM_000548.5(TSC2):c.4639G>A (p.Val1547Ile)

Gene: TSC2 (TSC complex subunit 2; plus strand). Cytogenetic location: 16p13.3.
Variant type: single nucleotide variant.
Coding change: c.4639G>A on transcript NM_000548.5 (MANE Select); coding-DNA position 4639, G replaced by A.
Protein change: p.Val1547Ile; replaces valine 1547 with isoleucine.
Molecular consequence: missense variant.
Genome position (GRCh38, 1-based): chr16:2,085,299, G>A. VCF-style: chr16-2085299-G-A. GRCh37 (hg19) VCF-style: chr16-2135300-G-A.
Other names: c.4438G>A, p.Val1480Ile (NM_001077183.3); c.4570G>A, p.Val1524Ile (NM_001114382.3); c.4330G>A, p.Val1444Ile (NM_001318827.2); c.4294G>A, p.Val1432Ile (NM_001318829.2); c.3907G>A, p.Val1303Ile (NM_001318831.2); c.4471G>A, p.Val1491Ile (NM_001318832.2); c.4441G>A, p.Val1481Ile (NM_001363528.2); c.4507G>A, p.Val1503Ile (NM_001370404.1); and 1 more; short protein forms V1547I, V1480I, V1481I, V1491I, V1524I, V1303I, V1504I, V1432I.
Identifiers: ClinVar variation 238056 (VCV000238056.23), dbSNP rs745895675, ClinGen allele CA051988.

ClinVar aggregate classification (germline): Conflicting classifications of pathogenicity. Review status: criteria provided, conflicting classifications (1 of 4 stars). 9 submissions from 9 submitters: Uncertain significance (3); Benign (1); Likely benign (3). 2 of the submissions do not count toward it. Last evaluated 2026-01-25.

Conditions:
TSC2-related disorder. Also called: TSC2-Related Disorders; TSC2-related condition.
Hereditary cancer-predisposing syndrome. Also called: Tumor predisposition; Hereditary Cancer Syndrome; Hereditary neoplastic syndrome; Neoplastic Syndromes, Hereditary. Identifiers: Orphanet 140162, MedGen C0027672, MeSH D009386, MONDO:0015356.
Isolated focal cortical dysplasia type II (FCORD2). Also called: Focal cortical dysplasia type II; CORTICAL DYSPLASIA OF TAYLOR. Identifiers: Orphanet 268994, MedGen C1846385, MONDO:0011818, OMIM 607341, HP:0032051.
Tuberous sclerosis syndrome (TSC). Also called: Tuberous Sclerosis Complex; Tuberous sclerosis. Identifiers: Orphanet 805, MedGen C0041341, MONDO:0001734.
Tuberous sclerosis 2 (TSC2). Identifiers: Orphanet 805, MedGen C1860707, MONDO:0013199, OMIM 613254.

Allele frequency attached by ClinVar (database versions not stated): gnomAD 0.00001; gnomAD exomes 0.00002 and 0.00003; ExAC 0.00003; TOPMed 0.00003.
gnomAD v4.1: 34 of 1,612,608 alleles (0.0021%); highest among the groups gnomAD compares: South Asian, 0.016%; 1 homozygote.

Submissions (9):

Labcorp Genetics (formerly Invitae), Labcorp
Classification: Likely benign for Tuberous sclerosis 2. Last evaluated: 2026-01-25. Review status: criteria provided, single submitter. Criteria: Invitae Variant Classification Sherloc (09022015). Collection method: clinical testing. Allele origin: germline.

Myriad Genetics, Inc.
Classification: Likely benign for Tuberous sclerosis 2. Last evaluated: 2024-08-23. Review status: criteria provided, single submitter. Criteria: Myriad Autosomal Dominant, Autosomal Recessive and X-Linked Classification Criteria (2023). Collection method: clinical testing. Allele origin: unknown.
Comment: This variant is considered likely benign. This variant has been observed at a population frequency that is significantly greater than expected given the associated disease prevalence and penetrance.

All of Us Research Program, National Institutes of Health
Classification: Uncertain significance for Tuberous sclerosis syndrome. Last evaluated: 2024-05-09. Review status: criteria provided, single submitter. Criteria: ACMG Guidelines, 2015. Collection method: clinical testing. Allele origin: germline. Inheritance: Autosomal dominant inheritance. Observed: 3 variant alleles, 3 heterozygotes.
Comment: This missense variant replaces valine with isoleucine at codon 1547 of the TSC2 protein. Computational prediction is inconclusive regarding the impact of this variant on protein structure and function (internally defined REVEL score threshold 0.5 < inconclusive < 0.7, PMID: 27666373). To our knowledge, functional studies have not been reported for this variant. This variant has not been reported in individuals affected with TSC2-related disorders in the literature. This variant has been identified in 7/249908 chromosomes in the general population by the Genome Aggregation Database (gnomAD). The available evidence is insufficient to determine the role of this variant in disease conclusively. Therefore, this variant is classified as a Variant of Uncertain Significance.

This study involves interpretation of variants in research participants for the purpose of population health screening. Participant phenotype was not available at the time of variant classification. Additional details can be found in publication PMID: 35346344, PMCID: PMC8962531

Quest Diagnostics Nichols Institute San Juan Capistrano
Classification: Uncertain significance. Last evaluated: 2024-05-03. Review status: criteria provided, single submitter. Criteria: Quest Diagnostics criteria. Collection method: clinical testing. Allele origin: unknown.

GeneDx
Classification: Uncertain significance. Last evaluated: 2022-12-12. Review status: criteria provided, single submitter. Criteria: GeneDx Variant Classification Process June 2021. Collection method: clinical testing. Allele origin: germline. Affected: yes.
Comment: Identified as a somatic variant in the brain of a patient with focal cortical dysplasia type IIa; this patient did not have any features of TSC (Lim et al., 2017); In silico analysis supports that this missense variant does not alter protein structure/function; Has not been previously reported as a pathogenic or benign germline variant to our knowledge; This variant is associated with the following publications: (PMID: 28215400, 18466115)

Genome-Nilou Lab
Classification: Likely benign for Tuberous sclerosis 2. Last evaluated: 2021-11-07. Review status: criteria provided, single submitter. Criteria: ACMG Guidelines, 2015. Collection method: clinical testing. Allele origin: germline. Affected: no.

Ambry Genetics
Classification: Benign for Hereditary cancer-predisposing syndrome. Last evaluated: 2021-01-19. Review status: criteria provided, single submitter. Criteria: Ambry Variant Classification Scheme 2023. Collection method: clinical testing. Allele origin: germline.

PreventionGenetics, part of Exact Sciences
Classification: Uncertain significance for TSC2-related condition. Last evaluated: 2024-08-16. Review status: no assertion criteria provided. Collection method: clinical testing. Allele origin: germline. Not counted in ClinVar's aggregate classification.
Comment: The TSC2 c.4639G>A variant is predicted to result in the amino acid substitution p.Val1547Ile. This variant was identified as a somatic variant in the brain of a patient with focal cortical dysplasia type IIa (Lim et al 2017. PubMed ID: 28215400). This variant is reported in 0.016% of alleles in individuals of South Asian descent in gnomAD. This variant has interpretations ranging from benign to pathogenic in ClinVar. At this time, the clinical significance of this variant is uncertain due to the absence of conclusive functional and genetic evidence.

OMIM
Classification: Pathogenic for FOCAL CORTICAL DYSPLASIA, TYPE II, SOMATIC (1 patient). Last evaluated: 2017-04-11. Review status: no assertion criteria provided. Collection method: literature only. Allele origin: somatic. Not counted in ClinVar's aggregate classification.

Literature cited by the submitters: PubMed 28215400 (cited by Quest Diagnostics Nichols Institute San Juan Capistrano and OMIM).